The following is an entry in ClinVar:

NM_001166108.2(PALLD):c.2992A>G (p.Ile998Val)

Genes: PALLD (palladin, cytoskeletal associated protein; plus strand), CBR4 (carbonyl reductase 4; minus strand). Cytogenetic location: 4q32.3.
Variant type: single nucleotide variant.
Coding change: c.2992A>G on transcript NM_001166108.2 (MANE Select); coding-DNA position 2992, A replaced by G.
Protein change: p.Ile998Val; replaces isoleucine 998 with valine.
Molecular consequence: missense variant.
Genome position (GRCh38, 1-based): chr4:168,921,675, A>G. VCF-style: chr4-168921675-A-G. GRCh37 (hg19) VCF-style: chr4-169842826-A-G.
Other names: c.1795A>G, p.Ile599Val (NM_001166109.2); c.1480A>G, p.Ile494Val (NM_001166110.2); c.820A>G, p.Ile274Val (NM_001367567.1, NM_001367569.1); c.871A>G, p.Ile291Val (NM_001367568.1, NM_001367570.1); c.2941A>G, p.Ile981Val (NM_016081.4); c.1480A>G (NM_001166110.1); short protein forms I291V, I494V, I981V, I998V, I274V, I599V.
Identifiers: ClinVar variation 1797920 (VCV001797920.4), dbSNP rs746066225, ClinGen allele CA3136009.

ClinVar aggregate classification (germline): Uncertain significance. Review status: criteria provided, multiple submitters, no conflicts (2 of 4 stars). 3 submissions from 2 submitters: Uncertain significance (3). Last evaluated 2024-12-30.

Conditions:
Inborn genetic diseases. Identifiers: MedGen C0950123, MeSH D030342.
Hereditary cancer-predisposing syndrome. Also called: Neoplastic Syndromes, Hereditary; Tumor predisposition; Hereditary Cancer Syndrome; Hereditary neoplastic syndrome. Identifiers: Orphanet 140162, MedGen C0027672, MeSH D009386, MONDO:0015356.
Pancreatic adenocarcinoma. Identifiers: MedGen C0281361, MONDO:0006047, HP:0006725.

Allele frequency attached by ClinVar (database versions not stated): gnomAD 0.00001; TOPMed 0.00001; ExAC 0.00002; gnomAD exomes 0.00002.
gnomAD v4.1: 32 of 1,611,530 alleles (0.002%); highest among the groups gnomAD compares: South Asian, 0.034%; no homozygotes.

Submissions (3):

Labcorp Genetics (formerly Invitae), Labcorp
Classification: Uncertain significance for Pancreatic adenocarcinoma. Last evaluated: 2024-12-30. Review status: criteria provided, single submitter. Criteria: Invitae Variant Classification Sherloc (09022015). Collection method: clinical testing. Allele origin: germline.
Comment: This sequence change replaces isoleucine, which is neutral and non-polar, with valine, which is neutral and non-polar, at codon 494 of the PALLD protein (p.Ile494Val). This variant is present in population databases (rs746066225, gnomAD 0.02%). This variant has not been reported in the literature in individuals affected with PALLD-related conditions. ClinVar contains an entry for this variant (Variation ID: 1797920). An algorithm developed to predict the effect of missense changes on protein structure and function outputs the following: PolyPhen-2: "Benign". The valine amino acid residue is found in multiple mammalian species, which suggests that this missense change does not adversely affect protein function. In summary, the available evidence is currently insufficient to determine the role of this variant in disease. Therefore, it has been classified as a Variant of Uncertain Significance.

Ambry Genetics
Classification: Uncertain significance for Inborn genetic diseases. Last evaluated: 2023-05-23. Review status: criteria provided, single submitter. Criteria: Ambry General Variant Classification Scheme_2022. Collection method: clinical testing. Allele origin: germline.

Ambry Genetics
Classification: Uncertain significance for Hereditary cancer-predisposing syndrome. Last evaluated: 2021-09-01. Review status: criteria provided, single submitter. Criteria: Ambry General Variant Classification Scheme_2022. Collection method: clinical testing. Allele origin: germline. Observed: 1 variant allele.
Comment: The p.I981V variant (also known as c.2941A>G), located in coding exon 16 of the PALLD gene, results from an A to G substitution at nucleotide position 2941. The isoleucine at codon 981 is replaced by valine, an amino acid with highly similar properties. This amino acid position is conserved. In addition, this alteration is predicted to be tolerated by in silico analysis. Since supporting evidence is limited at this time, the clinical significance of this alteration remains unclear.